The following is an entry in ClinVar:

NM_017617.5(NOTCH1):c.6593C>A (p.Ser2198Ter)

Gene: NOTCH1 (notch receptor 1; minus strand). Cytogenetic location: 9q34.3.
Variant type: single nucleotide variant.
Coding change: c.6593C>A on transcript NM_017617.5 (MANE Select); coding-DNA position 6593, C replaced by A.
Protein change: p.Ser2198Ter; replaces serine 2198 with a stop codon.
Molecular consequence: nonsense.
Genome position (GRCh38, 1-based): chr9:136,497,146, G>T on the plus strand (C>A on the coding strand, the complement: NOTCH1 is on the minus strand). VCF-style: chr9-136497146-G-T. GRCh37 (hg19) VCF-style: chr9-139391598-G-T.
Other names: c.6593C>A, p.Ser2198Ter (LRG_1122t1); short protein forms S2198*.
Identifiers: ClinVar variation 426360 (VCV000426360.4), dbSNP rs761562076, ClinGen allele CA375631127.
Genomic context (GRCh38, chr9:136,497,146, plus strand): 5'-AGTGGCGGCGAGGCCACGTCTGACAGGTAGCCATGGGGTGACTCCAGGGAGTCCACGGGC[G>T]AGAGCATGCCGGAGCTGTCCAGCAGGCAGCCCTTGCCGTCCTGGGACTTCTTCCTCCGTG-3'

ClinVar aggregate classification (germline): Pathogenic (1 of 4 stars; one submission).

Submission:

GeneDx
Classification: Pathogenic. Last evaluated: 2026-10-14. Review status: criteria provided, single submitter. Criteria: GeneDx Variant Classification Process June 2021. Collection method: clinical testing. Allele origin: germline.
Comment: Nonsense variant predicted to result in protein truncation, as the last 358 amino acid(s) are lost, and other loss-of-function variants have been reported downstream in HGMD; Not observed at significant frequency in large population cohorts (gnomAD); Reported in a cohort of individuals with developmental disorders undergoing exome sequencing, which likely includes this family (PMID: 33057194); This variant is associated with the following publications: (PMID: 36866832, 35982159, 33057194)